The following is an entry in ClinVar:

NM_007272.3(CTRC):c.481G>C (p.Gly161Arg)

Gene: CTRC (chymotrypsin C; plus strand). Cytogenetic location: 1p36.21.
Variant type: single nucleotide variant.
Coding change: c.481G>C on transcript NM_007272.3 (MANE Select); coding-DNA position 481, G replaced by C.
Protein change: p.Gly161Arg; replaces glycine 161 with arginine.
Molecular consequence: missense variant.
Genome position (GRCh38, 1-based): chr1:15,443,543, G>C. VCF-style: chr1-15443543-G-C. GRCh37 (hg19) VCF-style: chr1-15770038-G-C.
Other names: short protein forms G161R.
Identifiers: ClinVar variation 4008126 (VCV004008126.1).

ClinVar aggregate classification (germline): Uncertain significance (1 of 4 stars; one submission).

Conditions:
Hereditary pancreatitis (PCTT). Also called: Hereditary chronic pancreatitis; PRSS1-Related Hereditary Pancreatitis. Identifiers: Orphanet 676, MedGen C0238339, MONDO:0008185, OMIM 167800.

Submission:

Ambry Genetics
Classification: Uncertain significance for Hereditary pancreatitis. Last evaluated: 2025-05-23. Review status: criteria provided, single submitter. Criteria: Ambry Variant Classification Scheme 2023. Collection method: clinical testing. Allele origin: germline.
Comment: The p.G161R variant (also known as c.481G>C), located in coding exon 5 of the CTRC gene, results from a G to C substitution at nucleotide position 481. The glycine at codon 161 is replaced by arginine, an amino acid with dissimilar properties. This amino acid position is conserved. In addition, this alteration is predicted to be deleterious by in silico analysis. Based on the available evidence, the clinical significance of this variant remains unclear.